The following is an entry in ClinVar:

ClinVar aggregate classification (germline): Likely pathogenic (1 of 4 stars; one submission).

Conditions:
MHC class II deficiency. Also called: Bare lymphocyte syndrome 2; BLS, TYPE II. Identifiers: Orphanet 572, MedGen C5447452, MONDO:0008855.

Submission:

Labcorp Genetics (formerly Invitae), Labcorp
Classification: Likely pathogenic for MHC class II deficiency. Last evaluated: 2023-10-13. Review status: criteria provided, single submitter. Criteria: Invitae Variant Classification Sherloc (09022015). Collection method: clinical testing. Allele origin: germline.
Comment: This sequence change affects a splice site in intron 3 of the RFXANK gene. It is expected to disrupt RNA splicing. Variants that disrupt the donor or acceptor splice site typically lead to a loss of protein function (PMID: 16199547), and loss-of-function variants in RFXANK are known to be pathogenic (PMID: 10803838, 16166641, 21908431). This variant is not present in population databases (gnomAD no frequency). This variant has not been reported in the literature in individuals affected with RFXANK-related conditions. ClinVar contains an entry for this variant (Variation ID: 1504417). Algorithms developed to predict the effect of sequence changes on RNA splicing suggest that this variant may disrupt the consensus splice site. In summary, the currently available evidence indicates that the variant is pathogenic, but additional data are needed to prove that conclusively. Therefore, this variant has been classified as Likely Pathogenic.

Literature cited by the submitters: PubMed 16199547; PubMed 10803838; PubMed 16166641; PubMed 21908431.

NM_003721.4(RFXANK):c.188-2del

Gene: RFXANK (regulatory factor X associated ankyrin containing protein; plus strand). Cytogenetic location: 19p13.11.
Variant type: Deletion.
Coding change: c.188-2del on transcript NM_003721.4 (MANE Select); the canonical splice acceptor site of the intron before coding-DNA position 188, one base deleted (A; older notation c.188-2delA).
Molecular consequence: splice acceptor variant. On other transcripts: intron variant (5).
Genome position (GRCh38, 1-based): chr19:19,196,961, A deleted. VCF-style (leftmost placement, unchanged base first): chr19-19196960-CA-C. GRCh37 (hg19) VCF-style: chr19-19307769-CA-C.
Other names: c.188-5del (NM_001370236.1, NM_001278728.2, NM_134440.3 and 2 more transcripts); c.188-2del (NM_001278727.2, NM_001370238.1, NM_001370233.1 and 1 more transcripts).
Identifiers: ClinVar variation 1504417 (VCV001504417.8), dbSNP rs2146483253, ClinGen allele CA2573156230.